The following is an entry in ClinVar:

ClinVar aggregate classification (germline): Benign. Review status: criteria provided, multiple submitters, no conflicts (2 of 4 stars). 11 submissions from 10 submitters: Benign (9). 2 of the submissions do not count toward it. Last evaluated 2026-02-04.

Conditions:
Tangier disease (TGD). Also called: HIGH DENSITY LIPOPROTEIN DEFICIENCY, TANGIER TYPE; HIGH DENSITY LIPOPROTEIN DEFICIENCY, TYPE 1; Cholesterol thesaurismosis. Identifiers: Orphanet 31150, MedGen C0039292, MONDO:0008783, OMIM 205400.
Cardiovascular phenotype. Identifiers: MedGen CN230736.
Hypoalphalipoproteinemia, primary, 1. Identifiers: Orphanet 425, MedGen C5231558, MONDO:0011393, OMIM 604091.

Allele frequency attached by ClinVar (database versions not stated): 1000 Genomes Project 30x 0.52920; 1000 Genomes Project 0.53834; TOPMed 0.57965; ESP Exome Variant Server 0.58504; gnomAD 0.59607 and 0.60234; ExAC 0.69363; gnomAD exomes 0.70748.
gnomAD v4.1: 1,170,022 of 1,612,774 alleles (73%); highest among the groups gnomAD compares: Admixed American, 77%; 437,586 homozygotes.

Submissions (11):

Labcorp Genetics (formerly Invitae), Labcorp
Classification: Benign. Last evaluated: 2026-02-04. Review status: criteria provided, single submitter. Criteria: Invitae Variant Classification Sherloc (09022015). Collection method: clinical testing. Allele origin: germline.

Blueprint Genetics
Classification: Benign. Last evaluated: 2024-11-27. Review status: criteria provided, single submitter. Criteria: ACMG Guidelines, 2015. Collection method: clinical testing. Allele origin: germline.

Genome-Nilou Lab
Classification: Benign for Tangier disease. Last evaluated: 2021-07-14. Review status: criteria provided, single submitter. Criteria: ACMG Guidelines, 2015. Collection method: clinical testing. Allele origin: germline. Affected: no.

Ambry Genetics
Classification: Benign for Cardiovascular phenotype. Last evaluated: 2018-12-11. Review status: criteria provided, single submitter. Criteria: Ambry Variant Classification Scheme 2023. Collection method: clinical testing. Allele origin: germline.

GeneDx
Classification: Benign. Last evaluated: 2018-08-30. Review status: criteria provided, single submitter. Criteria: GeneDx Variant Classification Process June 2021. Collection method: clinical testing. Allele origin: germline. Affected: yes.
Comment: This variant is associated with the following publications: (PMID: 29083407, 28008009, 15520867, 20346718, 22929031)

Illumina Laboratory Services, Illumina
Classification: Benign for Hypoalphalipoproteinemia, primary, 1. Last evaluated: 2018-03-06. Review status: criteria provided, single submitter. Criteria: ICSL Variant Classification Criteria 13 December 2019. Collection method: clinical testing. Allele origin: germline.
Comment: This variant was observed in the ICSL laboratory as part of a predisposition screen in an ostensibly healthy population. It had not been previously curated by ICSL or reported in the Human Gene Mutation Database (HGMD: prior to June 1st, 2018), and was therefore a candidate for classification through an automated scoring system. Utilizing variant allele frequency, disease prevalence and penetrance estimates, and inheritance mode, an automated score was calculated to assess if this variant is too frequent to cause the disease. Based on the score and internal cut-off values, a variant classified as benign is not then subjected to further curation. The score for this variant resulted in a classification of benign for this disease.

Illumina Laboratory Services, Illumina
Classification: Benign for Tangier disease. Last evaluated: 2018-03-06. Review status: criteria provided, single submitter. Criteria: ICSL Variant Classification Criteria 13 December 2019. Collection method: clinical testing. Allele origin: germline.
Comment: the same text as in the submission from Illumina Laboratory Services, Illumina above.

Mayo Clinic Laboratories, Mayo Clinic
Classification: Benign. Last evaluated: 2017-07-24. Review status: criteria provided, single submitter. Criteria: ACMG Guidelines, 2015. Collection method: clinical testing. Allele origin: germline. Observed: 1,141 variant alleles.

Breakthrough Genomics
Classification: Benign. Review status: criteria provided, single submitter. Criteria: ACMG Guidelines, 2015. Collection method: not provided. Allele origin: germline. Inheritance: Autosomal recessive inheritance. Affected: yes.

Clinical Genetics, Academic Medical Center
Classification: Benign. Review status: no assertion criteria provided. Collection method: clinical testing. Allele origin: germline. Affected: yes. Study: VKGL Data-share Consensus. Not counted in ClinVar's aggregate classification.

Diagnostic Laboratory, Department of Genetics, University Medical Center Groningen
Classification: Benign. Review status: no assertion criteria provided. Collection method: clinical testing. Allele origin: germline. Affected: yes. Study: VKGL Data-share Consensus. Not counted in ClinVar's aggregate classification.

NM_005502.4(ABCA1):c.4760A>G (p.Lys1587Arg)

Gene: ABCA1 (ATP binding cassette subfamily A member 1; minus strand). Cytogenetic location: 9q31.1.
Variant type: single nucleotide variant.
Coding change: c.4760A>G on transcript NM_005502.4 (MANE Select); coding-DNA position 4760, A replaced by G.
Protein change: p.Lys1587Arg; replaces lysine 1587 with arginine.
Molecular consequence: missense variant.
Genome position (GRCh38, 1-based): chr9:104,800,523, T>C on the plus strand (A>G on the coding strand, the complement: ABCA1 is on the minus strand). VCF-style: chr9-104800523-T-C. GRCh37 (hg19) VCF-style: chr9-107562804-T-C.
Other names: short protein forms K1587R.
Identifiers: ClinVar variation 364398 (VCV000364398.27), dbSNP rs2230808, ClinGen allele CA5168028.